The following is an entry in ClinVar:

NM_002317.7(LOX):c.398G>C (p.Arg133Thr)

Genes: LOX (lysyl oxidase; minus strand), SRFBP1 (serum response factor binding protein 1; plus strand). Cytogenetic location: 5q23.1.
Variant type: single nucleotide variant.
Coding change: c.398G>C on transcript NM_002317.7 (MANE Select); coding-DNA position 398, G replaced by C.
Protein change: p.Arg133Thr; replaces arginine 133 with threonine.
Molecular consequence: missense variant.
Genome position (GRCh38, 1-based): chr5:122,077,588, C>G on the plus strand (G>C on the coding strand, the complement: LOX is on the minus strand). VCF-style: chr5-122077588-C-G. GRCh37 (hg19) VCF-style: chr5-121413283-C-G.
Other names: short protein forms R133T.
Identifiers: ClinVar variation 1736765 (VCV001736765.2), dbSNP rs2532916997, ClinGen allele CA360876447.

ClinVar aggregate classification (germline): Uncertain significance (1 of 4 stars; one submission).

Conditions:
Cardiovascular phenotype. Identifiers: MedGen CN230736.

Submission:

Ambry Genetics
Classification: Uncertain significance for Cardiovascular phenotype. Last evaluated: 2022-07-08. Review status: criteria provided, single submitter. Criteria: Ambry Variant Classification Scheme 2023. Collection method: clinical testing. Allele origin: germline.
Comment: The p.R133T variant (also known as c.398G>C), located in coding exon 1 of the LOX gene, results from a G to C substitution at nucleotide position 398. The arginine at codon 133 is replaced by threonine, an amino acid with similar properties. This amino acid position is conserved. In addition, this alteration is predicted to be tolerated by in silico analysis. Since supporting evidence is limited at this time, the clinical significance of this alteration remains unclear.